The following is an entry in ClinVar:

NM_001077525.3(MTMR14):c.187G>T (p.Glu63Ter)

Gene: MTMR14 (myotubularin related protein 14; plus strand). Cytogenetic location: 3p25.3.
Variant type: single nucleotide variant.
Coding change: c.187G>T on transcript NM_001077525.3 (MANE Select); coding-DNA position 187, G replaced by T.
Protein change: p.Glu63Ter; replaces glutamic acid 63 with a stop codon.
Molecular consequence: nonsense.
Genome position (GRCh38, 1-based): chr3:9,653,648, G>T. VCF-style: chr3-9653648-G-T. GRCh37 (hg19) VCF-style: chr3-9695332-G-T.
Other names: c.187G>T, p.Glu63Ter (NM_001077526.3, NM_022485.5); short protein forms E63*.
Identifiers: ClinVar variation 500920 (VCV000500920.10), dbSNP rs375944156, ClinGen allele CA2240194.

ClinVar aggregate classification (germline): Uncertain significance. Review status: criteria provided, multiple submitters, no conflicts (2 of 4 stars). 2 submissions from 2 submitters: Uncertain significance (2). Last evaluated 2025-11-10.

Allele frequency attached by ClinVar (database versions not stated): ExAC 0.00001; gnomAD exomes 0.00001; TOPMed 0.00003; gnomAD 0.00005; ESP Exome Variant Server 0.00008.

Submissions (2):

Labcorp Genetics (formerly Invitae), Labcorp
Classification: Uncertain significance. Last evaluated: 2025-11-10. Review status: criteria provided, single submitter. Criteria: Invitae Variant Classification Sherloc (09022015). Collection method: clinical testing. Allele origin: germline.
Comment: This sequence change creates a premature translational stop signal (p.Glu63*) in the MTMR14 gene. It is expected to result in an absent or disrupted protein product. However, the current clinical and genetic evidence is not sufficient to establish whether loss-of-function variants in MTMR14 cause disease. This variant is present in population databases (rs375944156, gnomAD 0.004%). This variant has not been reported in the literature in individuals affected with MTMR14-related conditions. ClinVar contains an entry for this variant (Variation ID: 500920). In summary, the available evidence is currently insufficient to determine the role of this variant in disease. Therefore, it has been classified as a Variant of Uncertain Significance.

Eurofins Ntd Llc (ga)
Classification: Uncertain significance. Last evaluated: 2017-03-27. Review status: criteria provided, single submitter. Criteria: EGL Classification Definitions 2015. Collection method: clinical testing. Allele origin: germline. Observed: 1 variant allele, 1 heterozygote.